The following is an entry in ClinVar:

ClinVar aggregate classification (germline): Likely benign. Review status: criteria provided, multiple submitters, no conflicts (2 of 4 stars). 5 submissions from 5 submitters: Likely benign (5). Last evaluated 2025-11-10.

Conditions:
Focal segmental glomerulosclerosis 5 (FSGS5). Identifiers: Orphanet 656, MedGen C2750475, MONDO:0013191, OMIM 613237.
Charcot-Marie-Tooth disease dominant intermediate E. Also called: CHARCOT-MARIE-TOOTH NEUROPATHY WITH FOCAL SEGMENTAL GLOMERULONEPHRITIS. Identifiers: Orphanet 93114, MedGen C4302667, MONDO:0013758, OMIM 614455.

Allele frequency attached by ClinVar (database versions not stated): gnomAD 0.00003; gnomAD exomes 0.00012; TOPMed 0.00012.
gnomAD v4.1: 202 of 1,542,136 alleles (0.013%); highest among the groups gnomAD compares: Non-Finnish European, 0.016%; no homozygotes.

Submissions (5):

Labcorp Genetics (formerly Invitae), Labcorp
Classification: Likely benign for Charcot-Marie-Tooth disease dominant intermediate E; Focal segmental glomerulosclerosis 5. Last evaluated: 2025-11-10. Review status: criteria provided, single submitter. Criteria: Invitae Variant Classification Sherloc (09022015). Collection method: clinical testing. Allele origin: germline.

Blueprint Genetics
Classification: Likely benign. Last evaluated: 2024-11-26. Review status: criteria provided, single submitter. Criteria: ACMG Guidelines, 2015. Collection method: clinical testing. Allele origin: germline.

Fulgent Genetics
Classification: Likely benign for Focal segmental glomerulosclerosis 5; Charcot-Marie-Tooth disease dominant intermediate E. Last evaluated: 2021-07-26. Review status: criteria provided, single submitter. Criteria: ACMG Guidelines, 2015. Collection method: clinical testing. Allele origin: unknown.

ARUP Laboratories, Molecular Genetics and Genomics, ARUP Laboratories
Classification: Likely benign. Last evaluated: 2021-04-23. Review status: criteria provided, single submitter. Criteria: ARUP Molecular Germline Variant Investigation Process 2021. Collection method: clinical testing. Allele origin: germline.

GeneDx
Classification: Likely benign. Last evaluated: 2017-12-21. Review status: criteria provided, single submitter. Criteria: GeneDx Variant Classification (06012015). Collection method: clinical testing. Allele origin: germline. Affected: yes.
Comment: This variant is considered likely benign or benign based on one or more of the following criteria: it is a conservative change, it occurs at a poorly conserved position in the protein, it is predicted to be benign by multiple in silico algorithms, and/or has population frequency not consistent with disease.

NM_022489.4(INF2):c.2418+19G>A

Gene: INF2 (inverted formin 2; plus strand). Cytogenetic location: 14q32.33.
Variant type: single nucleotide variant.
Coding change: c.2418+19G>A on transcript NM_022489.4 (MANE Select); 19 bases into the intron after coding-DNA position 2418, G replaced by A.
Molecular consequence: intron variant.
Genome position (GRCh38, 1-based): chr14:104,711,205, G>A. VCF-style: chr14-104711205-G-A. GRCh37 (hg19) VCF-style: chr14-105177542-G-A.
Other names: c.2418+19G>A (NM_001031714.4).
Identifiers: ClinVar variation 514099 (VCV000514099.18), dbSNP rs770701500, ClinGen allele CA7372914.
Genomic context (GRCh38, chr14:104,711,205, plus strand): 5'-TCCCAGCAGAACCGCGTGACGCTGCTGCACCACGTGCTGGAGGTGGGCCGTGGTGGCGGG[G>A]GCATAATGGGAGGGCTTCAAGTCCCCCCGGACCTGGGGTGTAGAGGCGTAGAGGCCATAC-3'